The following is an entry in ClinVar:

NM_004944.4(DNASE1L3):c.546+5G>T

Gene: DNASE1L3 (deoxyribonuclease 1L3; minus strand). Cytogenetic location: 3p14.3.
Variant type: single nucleotide variant.
Coding change: c.546+5G>T on transcript NM_004944.4 (MANE Select); 5 bases into the intron after coding-DNA position 546, G replaced by T.
Molecular consequence: intron variant.
Genome position (GRCh38, 1-based): chr3:58,200,992, C>A on the plus strand (G>T on the coding strand, the complement: DNASE1L3 is on the minus strand). VCF-style: chr3-58200992-C-A. GRCh37 (hg19) VCF-style: chr3-58186719-C-A.
Other names: c.456+5G>T (NM_001256560.2).
Identifiers: ClinVar variation 1167553 (VCV001167553.14), dbSNP rs3772985, ClinGen allele CA2469944.

ClinVar aggregate classification (germline): Benign/Likely benign. Review status: criteria provided, multiple submitters, no conflicts (2 of 4 stars). 6 submissions from 6 submitters: Benign (5); Likely benign (1). Last evaluated 2026-02-04.

Allele frequency attached by ClinVar (database versions not stated): ESP Exome Variant Server 0.15939; TOPMed 0.17588; 1000 Genomes Project 30x 0.21986; 1000 Genomes Project 0.22125.
gnomAD v4.1: 208,740 of 1,609,678 alleles (13%); highest among the groups gnomAD compares: East Asian, 31%; 15,968 homozygotes.

Submissions (29):

Labcorp Genetics (formerly Invitae), Labcorp
Classification: Benign. Last evaluated: 2026-02-04. Review status: criteria provided, single submitter. Criteria: Invitae Variant Classification Sherloc (09022015). Collection method: clinical testing. Allele origin: germline.

Women's Health and Genetics/Laboratory Corporation of America, LabCorp
Classification: Benign. Last evaluated: 2026-01-21. Review status: criteria provided, single submitter. Criteria: LabCorp Variant Classification Summary - May 2015. Collection method: clinical testing. Allele origin: germline.

Blueprint Genetics
Classification: Likely benign. Last evaluated: 2024-11-26. Review status: criteria provided, single submitter. Criteria: ACMG Guidelines, 2015. Collection method: clinical testing. Allele origin: germline.

Unidad de Genómica Garrahan, Hospital de Pediatría Garrahan
Classification: Benign. Last evaluated: 2024-01-24. Review status: criteria provided, single submitter. Criteria: ACMG Guidelines, 2015. Collection method: clinical testing. Allele origin: germline. Affected: no. Observed: 36 variant alleles.
Comment: This variant is classified as Benign based on local population frequency. This variant was detected in 41% of patients studied by a panel of primary immunodeficiencies. Number of patients: 36. Only high quality variants are reported.

Mayo Clinic Laboratories, Mayo Clinic
Classification: Benign. Last evaluated: 2022-09-06. Review status: criteria provided, single submitter. Criteria: ACMG Guidelines, 2015. Collection method: clinical testing. Allele origin: germline. Observed: 118 variant alleles.

Breakthrough Genomics
Classification: Benign. Review status: criteria provided, single submitter. Criteria: ACMG Guidelines, 2015. Collection method: not provided. Allele origin: germline. Inheritance: Autosomal recessive inheritance. Affected: yes.

Dr. Peter K. Rogan Lab, Western University
No classification provided (evidence only). Condition: Malignant lymphoma, large B-cell, diffuse. Review status: no classification provided. Collection method: in vitro. Allele origin: not applicable. Functional consequence: retained intron. Not counted in ClinVar's aggregate classification.

Dr. Peter K. Rogan Lab, Western University
No classification provided (evidence only). Condition: Malignant lymphoma, large B-cell, diffuse. Review status: no classification provided. Collection method: in vitro. Allele origin: not applicable. Functional consequence: retained intron. Not counted in ClinVar's aggregate classification.

Dr. Peter K. Rogan Lab, Western University
No classification provided (evidence only). Condition: Malignant lymphoma, large B-cell, diffuse. Review status: no classification provided. Collection method: in vitro. Allele origin: not applicable. Functional consequence: retained intron. Not counted in ClinVar's aggregate classification.

Dr. Peter K. Rogan Lab, Western University
No classification provided (evidence only). Condition: Cholangiocarcinoma. Review status: no classification provided. Collection method: in vitro. Allele origin: not applicable. Functional consequence: retained intron. Not counted in ClinVar's aggregate classification.

Dr. Peter K. Rogan Lab, Western University
No classification provided (evidence only). Condition: Cholangiocarcinoma. Review status: no classification provided. Collection method: in vitro. Allele origin: not applicable. Functional consequence: retained intron. Not counted in ClinVar's aggregate classification.

Dr. Peter K. Rogan Lab, Western University
No classification provided (evidence only). Condition: Cholangiocarcinoma. Review status: no classification provided. Collection method: in vitro. Allele origin: not applicable. Functional consequence: retained intron. Not counted in ClinVar's aggregate classification.

Dr. Peter K. Rogan Lab, Western University
No classification provided (evidence only). Condition: Cholangiocarcinoma. Review status: no classification provided. Collection method: in vitro. Allele origin: not applicable. Functional consequence: retained intron. Not counted in ClinVar's aggregate classification.

Dr. Peter K. Rogan Lab, Western University
No classification provided (evidence only). Condition: Adrenocortical carcinoma, hereditary. Review status: no classification provided. Collection method: in vitro. Allele origin: not applicable. Functional consequence: retained intron. Not counted in ClinVar's aggregate classification.

Dr. Peter K. Rogan Lab, Western University
No classification provided (evidence only). Condition: Adrenocortical carcinoma, hereditary. Review status: no classification provided. Collection method: in vitro. Allele origin: not applicable. Functional consequence: retained intron. Not counted in ClinVar's aggregate classification.

Dr. Peter K. Rogan Lab, Western University
No classification provided (evidence only). Condition: Uveal melanoma. Review status: no classification provided. Collection method: in vitro. Allele origin: not applicable. Functional consequence: retained intron. Not counted in ClinVar's aggregate classification.

Dr. Peter K. Rogan Lab, Western University
No classification provided (evidence only). Condition: Uveal melanoma. Review status: no classification provided. Collection method: in vitro. Allele origin: not applicable. Functional consequence: retained intron. Not counted in ClinVar's aggregate classification.

Dr. Peter K. Rogan Lab, Western University
No classification provided (evidence only). Condition: Chronic lymphocytic leukemia/small lymphocytic lymphoma. Review status: no classification provided. Collection method: in vitro. Allele origin: not applicable. Functional consequence: retained intron. Not counted in ClinVar's aggregate classification.

Dr. Peter K. Rogan Lab, Western University
No classification provided (evidence only). Condition: Chronic lymphocytic leukemia/small lymphocytic lymphoma. Review status: no classification provided. Collection method: in vitro. Allele origin: not applicable. Functional consequence: retained intron. Not counted in ClinVar's aggregate classification.

Dr. Peter K. Rogan Lab, Western University
No classification provided (evidence only). Condition: Nonpapillary renal cell carcinoma. Review status: no classification provided. Collection method: in vitro. Allele origin: not applicable. Functional consequence: retained intron. Not counted in ClinVar's aggregate classification.

Dr. Peter K. Rogan Lab, Western University
No classification provided (evidence only). Condition: Nonpapillary renal cell carcinoma. Review status: no classification provided. Collection method: in vitro. Allele origin: not applicable. Functional consequence: retained intron. Not counted in ClinVar's aggregate classification.

Dr. Peter K. Rogan Lab, Western University
No classification provided (evidence only). Condition: Nonpapillary renal cell carcinoma. Review status: no classification provided. Collection method: in vitro. Allele origin: not applicable. Functional consequence: retained intron. Not counted in ClinVar's aggregate classification.

Dr. Peter K. Rogan Lab, Western University
No classification provided (evidence only). Condition: Nonpapillary renal cell carcinoma. Review status: no classification provided. Collection method: in vitro. Allele origin: not applicable. Functional consequence: skipped exon. Not counted in ClinVar's aggregate classification.

Dr. Peter K. Rogan Lab, Western University
No classification provided (evidence only). Condition: Familial pancreatic carcinoma. Review status: no classification provided. Collection method: in vitro. Allele origin: not applicable. Functional consequence: retained intron. Not counted in ClinVar's aggregate classification.

Dr. Peter K. Rogan Lab, Western University
No classification provided (evidence only). Condition: Familial pancreatic carcinoma. Review status: no classification provided. Collection method: in vitro. Allele origin: not applicable. Functional consequence: retained intron. Not counted in ClinVar's aggregate classification.

Dr. Peter K. Rogan Lab, Western University
No classification provided (evidence only). Condition: Lymphoma. Review status: no classification provided. Collection method: in vitro. Allele origin: not applicable. Functional consequence: retained intron. Not counted in ClinVar's aggregate classification.

Dr. Peter K. Rogan Lab, Western University
No classification provided (evidence only). Condition: Lymphoma. Review status: no classification provided. Collection method: in vitro. Allele origin: not applicable. Functional consequence: retained intron. Not counted in ClinVar's aggregate classification.

Dr. Peter K. Rogan Lab, Western University
No classification provided (evidence only). Condition: Lymphoma. Review status: no classification provided. Collection method: in vitro. Allele origin: not applicable. Functional consequence: retained intron. Not counted in ClinVar's aggregate classification.

Dr. Peter K. Rogan Lab, Western University
No classification provided (evidence only). Condition: Lymphoma. Review status: no classification provided. Collection method: in vitro. Allele origin: not applicable. Functional consequence: retained intron. Not counted in ClinVar's aggregate classification.